The following is an entry in ClinVar:

ClinVar aggregate classification (germline): Uncertain significance (1 of 4 stars; one submission).

Allele frequency attached by ClinVar (database versions not stated): gnomAD exomes below 0.00001.
gnomAD v4.1: 3 of 988,928 alleles (0.0003%); highest among the groups gnomAD compares: Non-Finnish European, 0.00045%; no homozygotes.

Submission:

Labcorp Genetics (formerly Invitae), Labcorp
Classification: Uncertain significance. Last evaluated: 2023-10-22. Review status: criteria provided, single submitter. Criteria: Invitae Variant Classification Sherloc (09022015). Collection method: clinical testing. Allele origin: germline.
Comment: This sequence change replaces glutamine, which is neutral and polar, with arginine, which is basic and polar, at codon 143 of the LRP2 protein (p.Gln143Arg). This variant is not present in population databases (gnomAD no frequency). This variant has not been reported in the literature in individuals affected with LRP2-related conditions. Algorithms developed to predict the effect of missense changes on protein structure and function output the following: SIFT: "Not Available"; PolyPhen-2: "Benign"; Align-GVGD: "Not Available". The arginine amino acid residue is found in multiple mammalian species, which suggests that this missense change does not adversely affect protein function. In summary, the available evidence is currently insufficient to determine the role of this variant in disease. Therefore, it has been classified as a Variant of Uncertain Significance.

NM_004525.3(LRP2):c.428A>G (p.Gln143Arg)

Gene: LRP2 (LDL receptor related protein 2; minus strand). Cytogenetic location: 2q31.1.
Variant type: single nucleotide variant.
Coding change: c.428A>G on transcript NM_004525.3 (MANE Select); coding-DNA position 428, A replaced by G.
Protein change: p.Gln143Arg; replaces glutamine 143 with arginine.
Molecular consequence: missense variant.
Genome position (GRCh38, 1-based): chr2:169,294,710, T>C on the plus strand (A>G on the coding strand, the complement: LRP2 is on the minus strand). VCF-style: chr2-169294710-T-C. GRCh37 (hg19) VCF-style: chr2-170151220-T-C.
Other names: short protein forms Q143R.
Identifiers: ClinVar variation 2770832 (VCV002770832.3), dbSNP rs2528570792, ClinGen allele CA349164403.